The following is an entry in ClinVar:

ClinVar aggregate classification (germline): Likely pathogenic. Review status: criteria provided, multiple submitters, no conflicts (2 of 4 stars). 2 submissions from 2 submitters: Likely pathogenic (2). Last evaluated 2026-03-25.

Conditions:
Familial hemophagocytic lymphohistiocytosis 3 (FHL3). Also called: UNC13D-Related Familial Hemophagocytic Lymphohistiocytosis (UNC13D-fHLH). Identifiers: Orphanet 540, MedGen C1837174, MONDO:0012146, OMIM 608898.

Allele frequency attached by ClinVar (database versions not stated): gnomAD exomes below 0.00001; gnomAD 0.00001; TOPMed below 0.00001.
gnomAD v4.1: 3 of 1,573,688 alleles (0.00019%); highest among the groups gnomAD compares: Non-Finnish European, 0.00026%; no homozygotes.

Submissions (2):

GeneDx
Classification: Likely pathogenic. Last evaluated: 2026-03-25. Review status: criteria provided, single submitter. Criteria: GeneDx Variant Classification Process June 2021. Collection method: clinical testing. Allele origin: germline.
Comment: Published functional studies demonstrate a damaging effect as L1058P dramatically reduces protein expression in vitro (PMID: 29549174); Not observed at significant frequency in large population cohorts (gnomAD); In silico analysis supports that this missense variant has a deleterious effect on protein structure/function; Identified in a patient with hemophagocytic lymphohistiocytosis in published literature, but it is unknown whether this individual was screened for variants in other genes associated with hemophagocytic lymphohistiocytosis (PMID: 21248318); This variant is associated with the following publications: (PMID: 29549174, 21248318, 24470399, 19484379)

Labcorp Genetics (formerly Invitae), Labcorp
Classification: Likely pathogenic for Familial hemophagocytic lymphohistiocytosis 3. Last evaluated: 2025-05-27. Review status: criteria provided, single submitter. Criteria: Invitae Variant Classification Sherloc (09022015). Collection method: clinical testing. Allele origin: germline.
Comment: This sequence change replaces leucine, which is neutral and non-polar, with proline, which is neutral and non-polar, at codon 1058 of the UNC13D protein (p.Leu1058Pro). This variant is present in population databases (no rsID available, gnomAD 0.001%). This missense change has been observed in individual(s) with familial hemophagocytic lymphohistiocytosis (PMID: 19484379, 21248318, 24470399). In at least one individual the data is consistent with being in trans (on the opposite chromosome) from a pathogenic variant. ClinVar contains an entry for this variant (Variation ID: 570304). Invitae Evidence Modeling of protein sequence and biophysical properties (such as structural, functional, and spatial information, amino acid conservation, physicochemical variation, residue mobility, and thermodynamic stability) indicates that this missense variant is expected to disrupt UNC13D protein function with a positive predictive value of 80%. Studies have shown that this missense change alters UNC13D gene expression (PMID: 29549174). In summary, the currently available evidence indicates that the variant is pathogenic, but additional data are needed to prove that conclusively. Therefore, this variant has been classified as Likely Pathogenic.

Literature cited by the submitters: PubMed 19484379 (cited by Labcorp Genetics (formerly Invitae), Labcorp); PubMed 21248318 (cited by Labcorp Genetics (formerly Invitae), Labcorp); PubMed 24470399 (cited by Labcorp Genetics (formerly Invitae), Labcorp); PubMed 29549174 (cited by Labcorp Genetics (formerly Invitae), Labcorp).

NM_199242.3(UNC13D):c.3173T>C (p.Leu1058Pro)

Gene: UNC13D (unc-13 homolog D; minus strand). Cytogenetic location: 17q25.1.
Variant type: single nucleotide variant.
Coding change: c.3173T>C on transcript NM_199242.3 (MANE Select); coding-DNA position 3173, T replaced by C.
Protein change: p.Leu1058Pro; replaces leucine 1058 with proline.
Molecular consequence: missense variant.
Genome position (GRCh38, 1-based): chr17:75,828,065, A>G on the plus strand (T>C on the coding strand, the complement: UNC13D is on the minus strand). VCF-style: chr17-75828065-A-G. GRCh37 (hg19) VCF-style: chr17-73824146-A-G.
Other names: short protein forms L1058P.
Identifiers: ClinVar variation 570304 (VCV000570304.11), dbSNP rs1278701043, ClinGen allele CA401073788.